The following is an entry in ClinVar:

ClinVar aggregate classification (germline): Uncertain significance (1 of 4 stars; one submission).

Conditions:
Hereditary cancer-predisposing syndrome. Also called: Neoplastic Syndromes, Hereditary; Tumor predisposition; Hereditary Cancer Syndrome; Hereditary neoplastic syndrome. Identifiers: Orphanet 140162, MedGen C0027672, MeSH D009386, MONDO:0015356.

Submission:

Ambry Genetics
Classification: Uncertain significance for Hereditary cancer-predisposing syndrome. Last evaluated: 2022-07-19. Review status: criteria provided, single submitter. Criteria: Ambry Variant Classification Scheme 2023. Collection method: clinical testing. Allele origin: germline.
Comment: The p.E1243D variant (also known as c.3729A>T), located in coding exon 24 of the RAD50 gene, results from an A to T substitution at nucleotide position 3729. The glutamic acid at codon 1243 is replaced by aspartic acid, an amino acid with highly similar properties. This amino acid position is conserved. In addition, this alteration is predicted to be tolerated by in silico analysis. Since supporting evidence is limited at this time, the clinical significance of this alteration remains unclear.

NM_005732.4(RAD50):c.3729A>T (p.Glu1243Asp)

Genes: RAD50 (RAD50 double strand break repair protein; plus strand), TH2-LCR (Th2 cytokine locus control region; plus strand), TH2LCRR (T helper type 2 locus control region associated RNA; minus strand). Cytogenetic location: 5q31.1.
Variant type: single nucleotide variant.
Coding change: c.3729A>T on transcript NM_005732.4 (MANE Select); coding-DNA position 3729, A replaced by T.
Protein change: p.Glu1243Asp; replaces glutamic acid 1243 with aspartic acid.
Molecular consequence: missense variant.
Genome position (GRCh38, 1-based): chr5:132,640,782, A>T. VCF-style: chr5-132640782-A-T. GRCh37 (hg19) VCF-style: chr5-131976474-A-T.
Other names: short protein forms E1243D.
Identifiers: ClinVar variation 1734349 (VCV001734349.2), dbSNP rs760741207, ClinGen allele CA360934892.